The following is an entry in ClinVar:

ClinVar aggregate classification (germline): Uncertain significance (1 of 4 stars; one submission).

Conditions:
Cardiovascular phenotype. Identifiers: MedGen CN230736.

Allele frequency attached by ClinVar (database versions not stated): gnomAD exomes 0.00001; gnomAD 0.00002; TOPMed 0.00002; ExAC 0.00004; 1000 Genomes Project 30x 0.00016.
gnomAD v4.1: 14 of 1,609,288 alleles (0.00087%); highest among the groups gnomAD compares: East Asian, 0.025%; no homozygotes.

Submission:

Ambry Genetics
Classification: Uncertain significance for Cardiovascular phenotype. Last evaluated: 2020-02-04. Review status: criteria provided, single submitter. Criteria: Ambry Variant Classification Scheme 2023. Collection method: clinical testing. Allele origin: germline.
Comment: The p.V9960A variant (also known as c.29879T>C), located in coding exon 119 of the TTN gene, results from a T to C substitution at nucleotide position 29879. The valine at codon 9960 is replaced by alanine, an amino acid with similar properties. This amino acid position is highly conserved in available vertebrate species. In addition, the in silico prediction for this alteration is inconclusive. Since supporting evidence is limited at this time, the clinical significance of this alteration remains unclear.

NM_001267550.2(TTN):c.57074T>C (p.Val19025Ala)

Genes: TTN (titin; minus strand), TTN-AS1 (TTN antisense RNA 1; plus strand). Cytogenetic location: 2q31.2.
Variant type: single nucleotide variant.
Coding change: c.57074T>C on transcript NM_001267550.2 (MANE Select); coding-DNA position 57074, T replaced by C.
Protein change: p.Val19025Ala; replaces valine 19025 with alanine.
Molecular consequence: missense variant.
Genome position (GRCh38, 1-based): chr2:178,598,543, A>G on the plus strand (T>C on the coding strand, the complement: TTN is on the minus strand). VCF-style: chr2-178598543-A-G. GRCh37 (hg19) VCF-style: chr2-179463270-A-G.
Other names: c.52151T>C, p.Val17384Ala (NM_001256850.1); c.29879T>C, p.Val9960Ala (NM_003319.4); c.49370T>C, p.Val16457Ala (NM_133378.4); c.30254T>C, p.Val10085Ala (NM_133432.3); c.30455T>C, p.Val10152Ala (NM_133437.4); short protein forms V16457A, V17384A, V10085A, V9960A, V10152A, V19025A.
Identifiers: ClinVar variation 1798452 (VCV001798452.2), dbSNP rs762688055, ClinGen allele CA1993115.
Genomic context (GRCh38, chr2:178,598,543, plus strand): 5'-TCCTTAGTGCCAAGTTTTCCTACCTTTTCCCATTCTTCTTTTCCTTCTTCTTTATATTCA[A>G]CGATGTATCCAGTTACTTTGGATCCACCATCTTTTAGTGGGGGAGACCACTCCAGATCTG-3'
Protein context (NP_001254479.2, residues 19015-19035): DGGSKVTGYI[Val19025Ala]EYKEEGKEEW